The following is an entry in ClinVar:

NM_001098426.2(SMARCD2):c.840C>T (p.Thr280=)

Gene: SMARCD2 (SWI/SNF related BAF chromatin remodeling complex subunit D2; minus strand). Cytogenetic location: 17q23.3.
Variant type: single nucleotide variant.
Coding change: c.840C>T on transcript NM_001098426.2 (MANE Select); coding-DNA position 840, C replaced by T.
Protein change: p.Thr280=; no amino-acid change (threonine 280 retained).
Molecular consequence: synonymous variant.
Genome position (GRCh38, 1-based): chr17:63,834,555, G>A on the plus strand (C>T on the coding strand, the complement: SMARCD2 is on the minus strand). VCF-style: chr17-63834555-G-A. GRCh37 (hg19) VCF-style: chr17-61911915-G-A.
Other names: c.615C>T, p.Thr205= (NM_001330439.1); c.696C>T, p.Thr232= (NM_001330440.2); c.840C>T (NM_001098426.1).
Identifiers: ClinVar variation 1606783 (VCV001606783.11), dbSNP rs374304188, ClinGen allele CA8706374.

ClinVar aggregate classification (germline): Likely benign. Review status: criteria provided, multiple submitters, no conflicts (2 of 4 stars). 3 submissions from 3 submitters: Likely benign (2). 1 of the submissions does not count toward it. Last evaluated 2025-12-18.

Conditions:
SMARCD2-related disorder. Also called: SMARCD2-related condition.

Allele frequency attached by ClinVar (database versions not stated): ExAC 0.00003; gnomAD 0.00014 and 0.00015; ESP Exome Variant Server 0.00016; TOPMed 0.00019; 1000 Genomes Project 30x 0.00031; 1000 Genomes Project 0.00040.
gnomAD v4.1: 49 of 1,606,672 alleles (0.003%); highest among the groups gnomAD compares: African/African-American, 0.048%; no homozygotes.

Submissions (3):

Labcorp Genetics (formerly Invitae), Labcorp
Classification: Likely benign. Last evaluated: 2025-12-18. Review status: criteria provided, single submitter. Criteria: Invitae Variant Classification Sherloc (09022015). Collection method: clinical testing. Allele origin: germline.

Blueprint Genetics
Classification: Likely benign. Last evaluated: 2024-06-17. Review status: criteria provided, single submitter. Criteria: ACMG Guidelines, 2015. Collection method: clinical testing. Allele origin: germline.

PreventionGenetics, part of Exact Sciences
Classification: Likely benign for SMARCD2-related condition. Last evaluated: 2019-03-29. Review status: no assertion criteria provided. Collection method: clinical testing. Allele origin: germline. Not counted in ClinVar's aggregate classification.
Comment: This variant is classified as likely benign based on ACMG/AMP sequence variant interpretation guidelines (Richards et al. 2015 PMID: 25741868, with internal and published modifications).